The following is an entry in ClinVar:

ClinVar aggregate classification (germline): Conflicting classifications of pathogenicity. Review status: criteria provided, conflicting classifications (1 of 4 stars). 5 submissions from 5 submitters: Uncertain significance (4); Likely benign (1). Last evaluated 2024-11-13.

Conditions:
Hereditary breast ovarian cancer syndrome. Also called: Breast and ovarian cancer; Hereditary breast and/or ovarian cancer syndrome; Hereditary breast and ovarian cancer; Hereditary breast and ovarian cancer syndrome (HBOC); BRCA1- and BRCA2-Associated Hereditary Breast and Ovarian Cancer; Hereditary breast and ovarian cancer syndrome. Identifiers: Orphanet 145, MedGen C0677776, MeSH D061325, MONDO:0003582. Disease mechanism: loss of function.
Familial cancer of breast. Also called: Hereditary breast cancer; BREAST CANCER, FAMILIAL; hereditary breast carcinoma. Identifiers: Orphanet 227535, MedGen C0346153, MONDO:0016419, OMIM 114480. Disease mechanism: loss of function.
Hereditary cancer-predisposing syndrome. Also called: Hereditary Cancer Syndrome; Neoplastic Syndromes, Hereditary; Tumor predisposition; Hereditary neoplastic syndrome. Identifiers: Orphanet 140162, MedGen C0027672, MeSH D009386, MONDO:0015356.

Allele frequency attached by ClinVar (database versions not stated): gnomAD exomes below 0.00001.
gnomAD v4.1: 1 of 1,613,912 alleles (0.000062%); highest among the groups gnomAD compares: Non-Finnish European, 0.000085%; no homozygotes.

Submissions (5):

Labcorp Genetics (formerly Invitae), Labcorp
Classification: Uncertain significance for Hereditary breast ovarian cancer syndrome. Last evaluated: 2024-11-13. Review status: criteria provided, single submitter. Criteria: Invitae Variant Classification Sherloc (09022015). Collection method: clinical testing. Allele origin: germline.
Comment: This sequence change replaces glutamic acid, which is acidic and polar, with lysine, which is basic and polar, at codon 48 of the BRCA2 protein (p.Glu48Lys). This variant is not present in population databases (gnomAD no frequency). This missense change has been observed in individual(s) with breast cancer (PMID: 34196900). ClinVar contains an entry for this variant (Variation ID: 489742). Invitae Evidence Modeling of protein sequence and biophysical properties (such as structural, functional, and spatial information, amino acid conservation, physicochemical variation, residue mobility, and thermodynamic stability) indicates that this missense variant is not expected to disrupt BRCA2 protein function with a negative predictive value of 95%. In summary, the available evidence is currently insufficient to determine the role of this variant in disease. Therefore, it has been classified as a Variant of Uncertain Significance.

Baylor Genetics
Classification: Uncertain significance for Familial cancer of breast. Last evaluated: 2024-01-12. Review status: criteria provided, single submitter. Criteria: ACMG Guidelines, 2015. Collection method: clinical testing. Allele origin: unknown.

Ambry Genetics
Classification: Likely benign for Hereditary cancer-predisposing syndrome. Last evaluated: 2023-11-12. Review status: criteria provided, single submitter. Criteria: Ambry Variant Classification Scheme 2023. Collection method: clinical testing. Allele origin: germline.

GeneDx
Classification: Uncertain significance. Last evaluated: 2019-05-28. Review status: criteria provided, single submitter. Criteria: GeneDx Variant Classification Process June 2021. Collection method: clinical testing. Allele origin: germline. Affected: yes.
Comment: Not observed in large population cohorts (Lek et al., 2016); In silico analysis, which includes protein predictors and evolutionary conservation, supports that this variant does not alter protein structure/function; This variant is associated with the following publications: (PMID: 27825131)

Color Diagnostics, LLC DBA Color Health
Classification: Uncertain significance for Hereditary cancer-predisposing syndrome. Last evaluated: 2019-01-05. Review status: criteria provided, single submitter. Criteria: ACMG Guidelines, 2015. Collection method: clinical testing. Allele origin: germline.

Literature cited by the submitters: PubMed 34196900 (cited by Labcorp Genetics (formerly Invitae), Labcorp).

NM_000059.4(BRCA2):c.142G>A (p.Glu48Lys)

Gene: BRCA2 (BRCA2 DNA repair associated; plus strand). Cytogenetic location: 13q13.1.
Variant type: single nucleotide variant.
Coding change: c.142G>A on transcript NM_000059.4 (MANE Select); coding-DNA position 142, G replaced by A.
Protein change: p.Glu48Lys; replaces glutamic acid 48 with lysine.
Molecular consequence: missense variant.
Genome position (GRCh38, 1-based): chr13:32,319,151, G>A. VCF-style: chr13-32319151-G-A. GRCh37 (hg19) VCF-style: chr13-32893288-G-A.
Other names: short protein forms E48K.
Identifiers: ClinVar variation 489742 (VCV000489742.10), dbSNP rs1555280354, ClinGen allele CA387754264.